The following is an entry in ClinVar:

ClinVar aggregate classification (germline): Conflicting classifications of pathogenicity. Review status: criteria provided, conflicting classifications (1 of 4 stars). 2 submissions from 2 submitters: Likely pathogenic (1); Uncertain significance (1). Last evaluated 2026-02-15.

Conditions:
PKD1L1-related disorder. Also called: PKD1L1-related condition.

gnomAD v4.1: 7 of 1,609,996 alleles (0.00043%); highest among the groups gnomAD compares: Admixed American, 0.0067%; no homozygotes.

Submissions (2):

PreventionGenetics, part of Exact Sciences
Classification: Uncertain significance for PKD1L1-related condition. Last evaluated: 2026-02-15. Review status: criteria provided, single submitter. Criteria: ACMG Guidelines, 2015. Collection method: clinical testing. Allele origin: germline.
Comment: The PKD1L1 c.1229-2A>G variant is predicted to disrupt the AG splice acceptor site and interfere with normal splicing. To our knowledge, this variant has not been reported in the literature. This variant is reported in 0.0034% of alleles in individuals of South Asian descent in gnomAD. Although we suspect that this variant could be pathogenic, at this time, the clinical significance of this variant is uncertain due to the absence of conclusive functional and genetic evidence.

Labcorp Genetics (formerly Invitae), Labcorp
Classification: Likely pathogenic. Last evaluated: 2024-07-27. Review status: criteria provided, single submitter. Criteria: Invitae Variant Classification Sherloc (09022015). Collection method: clinical testing. Allele origin: germline.
Comment: This sequence change affects an acceptor splice site in intron 8 of the PKD1L1 gene. It is expected to disrupt RNA splicing. Variants that disrupt the donor or acceptor splice site typically lead to a loss of protein function (PMID: 16199547), and loss-of-function variants in PKD1L1 are known to be pathogenic (PMID: 27616478). This variant is present in population databases (no rsID available, gnomAD 0.003%). This variant has not been reported in the literature in individuals affected with PKD1L1-related conditions. Algorithms developed to predict the effect of sequence changes on RNA splicing suggest that this variant may disrupt the consensus splice site. In summary, the currently available evidence indicates that the variant is pathogenic, but additional data are needed to prove that conclusively. Therefore, this variant has been classified as Likely Pathogenic.

Literature cited by the submitters: PubMed 16199547 (cited by Labcorp Genetics (formerly Invitae), Labcorp); PubMed 27616478 (cited by Labcorp Genetics (formerly Invitae), Labcorp).

NM_138295.5(PKD1L1):c.1229-2A>G

Gene: PKD1L1 (polycystin 1 like 1, transient receptor potential channel interacting; minus strand). Cytogenetic location: 7p12.3.
Variant type: single nucleotide variant.
Coding change: c.1229-2A>G on transcript NM_138295.5 (MANE Select); the canonical splice acceptor site of the intron before coding-DNA position 1229, A replaced by G.
Molecular consequence: splice acceptor variant.
Genome position (GRCh38, 1-based): chr7:47,908,252, T>C on the plus strand (A>G on the coding strand, the complement: PKD1L1 is on the minus strand). VCF-style: chr7-47908252-T-C. GRCh37 (hg19) VCF-style: chr7-47947849-T-C.
Other names: c.1229-2A>G (NM_138295.3).
Identifiers: ClinVar variation 3699005 (VCV003699005.3).